The following is an entry in ClinVar:

ClinVar aggregate classification (germline): Uncertain significance (1 of 4 stars; one submission).

Conditions:
Epidermolysis bullosa simplex with nail dystrophy (EBS5D). Identifiers: MedGen C4225309, MONDO:0014661, OMIM 616487.
Epidermolysis bullosa simplex 5B, with muscular dystrophy (EBS5B). Also called: EPIDERMOLYSIS BULLOSA SIMPLEX AND LIMB-GIRDLE MUSCULAR DYSTROPHY; Epidermolysis bullosa simplex with muscular dystrophy. Identifiers: Orphanet 257, MedGen C2931072, MONDO:0009181, OMIM 226670.
Epidermolysis bullosa simplex 5C, with pyloric atresia (EBS5C). Also called: PLEC-Related Epidermolysis Bullosa with Pyloric Atresia; Epidermolysis bullosa simplex with pyloric atresia; PLEC1-Related Epidermolysis Bullosa with Pyloric Atresia. Identifiers: Orphanet 158684, MedGen C2677349, MONDO:0012807, OMIM 612138.
Autosomal recessive limb-girdle muscular dystrophy type 2Q (LGMDR17). Also called: MUSCULAR DYSTROPHY, LIMB-GIRDLE, AUTOSOMAL RECESSIVE 17. Identifiers: Orphanet 254361, MedGen C3150989, MONDO:0013390, OMIM 613723.
Epidermolysis bullosa simplex, Ogna type (EBS5A). Also called: Pidermolysis bullosa simplex 5A, Ogna type; EPIDERMOLYSIS BULLOSA SIMPLEX 5A, OGNA TYPE. Identifiers: Orphanet 79401, MedGen C0432317, MONDO:0007555, OMIM 131950.

Allele frequency attached by ClinVar (database versions not stated): gnomAD exomes below 0.00001; TOPMed below 0.00001; gnomAD 0.00001.
gnomAD v4.1: 6 of 1,613,506 alleles (0.00037%); highest among the groups gnomAD compares: African/African-American, 0.0067%; no homozygotes.

Submission:

Labcorp Genetics (formerly Invitae), Labcorp
Classification: Uncertain significance for Autosomal recessive limb-girdle muscular dystrophy type 2Q; Epidermolysis bullosa simplex, Ogna type; Epidermolysis bullosa simplex with nail dystrophy; Epidermolysis bullosa simplex 5C, with pyloric atresia; Epidermolysis bullosa simplex 5B, with muscular dystrophy. Last evaluated: 2025-11-17. Review status: criteria provided, single submitter. Criteria: Invitae Variant Classification Sherloc (09022015). Collection method: clinical testing. Allele origin: germline.
Comment: This sequence change replaces histidine, which is basic and polar, with tyrosine, which is neutral and polar, at codon 2849 of the PLEC protein (p.His2849Tyr). This variant is present in population databases (no rsID available, gnomAD 0.01%). This variant has not been reported in the literature in individuals affected with PLEC-related conditions. ClinVar contains an entry for this variant (Variation ID: 2927713). Invitae Evidence Modeling of protein sequence and biophysical properties (such as structural, functional, and spatial information, amino acid conservation, physicochemical variation, residue mobility, and thermodynamic stability) indicates that this missense variant is not expected to disrupt PLEC protein function with a negative predictive value of 80%. In summary, the available evidence is currently insufficient to determine the role of this variant in disease. Therefore, it has been classified as a Variant of Uncertain Significance.

NM_201384.3(PLEC):c.8464C>T (p.His2822Tyr)

Gene: PLEC (plectin; minus strand). Cytogenetic location: 8q24.3.
Variant type: single nucleotide variant.
Coding change: c.8464C>T on transcript NM_201384.3 (MANE Select); coding-DNA position 8464, C replaced by T.
Protein change: p.His2822Tyr; replaces histidine 2822 with tyrosine.
Molecular consequence: missense variant.
Genome position (GRCh38, 1-based): chr8:143,921,357, G>A on the plus strand (C>T on the coding strand, the complement: PLEC is on the minus strand). VCF-style: chr8-143921357-G-A. GRCh37 (hg19) VCF-style: chr8-144995525-G-A.
Other names: c.8545C>T, p.His2849Tyr (NM_000445.5); c.5164C>T, p.His1722Tyr (NM_001410941.1); c.8422C>T, p.His2808Tyr (NM_201378.4); c.8398C>T, p.His2800Tyr (NM_201379.3); c.8875C>T, p.His2959Tyr (NM_201380.4); c.8368C>T, p.His2790Tyr (NM_201381.3); c.8464C>T, p.His2822Tyr (NM_201382.4); c.8476C>T, p.His2826Tyr (NM_201383.3); short protein forms H1722Y, H2800Y, H2959Y, H2808Y, H2826Y, H2822Y, H2790Y, H2849Y.
Identifiers: ClinVar variation 2927713 (VCV002927713.3), dbSNP rs904031769, ClinGen allele CA187612118.